The following is an entry in ClinVar:

NM_177438.3(DICER1):c.1908-3C>T

Gene: DICER1 (dicer 1, ribonuclease III; minus strand). Cytogenetic location: 14q32.13.
Variant type: single nucleotide variant.
Coding change: c.1908-3C>T on transcript NM_177438.3 (MANE Select); 3 bases into the intron before coding-DNA position 1908, C replaced by T.
Molecular consequence: intron variant.
Genome position (GRCh38, 1-based): chr14:95,113,227, G>A on the plus strand (C>T on the coding strand, the complement: DICER1 is on the minus strand). VCF-style: chr14-95113227-G-A. GRCh37 (hg19) VCF-style: chr14-95579564-G-A.
Other names: c.1908-3C>T (NM_001291628.2, NM_030621.4, NM_001395677.1 and 12 more transcripts); c.1503-3C>T (NM_001395690.1, NM_001395687.1, NM_001395689.1 and 3 more transcripts); c.1626-3C>T (NM_001395686.1); c.1341-3C>T (NM_001395691.1); c.225-3C>T (NM_001395697.1).
Identifiers: ClinVar variation 2566155 (VCV002566155.4), dbSNP rs1462448145, ClinGen allele CA966192139.

ClinVar aggregate classification (germline): Uncertain significance. Review status: criteria provided, multiple submitters, no conflicts (2 of 4 stars). 2 submissions from 2 submitters: Uncertain significance (2). Last evaluated 2024-03-02.

Conditions:
DICER1-related tumor predisposition. Also called: DICER1 syndrome; DICER1-related pleuropulmonary blastoma cancer predisposition syndrome. Identifiers: Orphanet 284343, MedGen C3839822, MONDO:0100216.
Hereditary cancer-predisposing syndrome. Also called: Neoplastic Syndromes, Hereditary; Hereditary Cancer Syndrome; Tumor predisposition; Hereditary neoplastic syndrome. Identifiers: Orphanet 140162, MedGen C0027672, MeSH D009386, MONDO:0015356.

Allele frequency attached by ClinVar (database versions not stated): gnomAD 0.00001.

Submissions (2):

Labcorp Genetics (formerly Invitae), Labcorp
Classification: Uncertain significance for DICER1-related tumor predisposition. Last evaluated: 2024-03-02. Review status: criteria provided, single submitter. Criteria: Invitae Variant Classification Sherloc (09022015). Collection method: clinical testing. Allele origin: germline.
Comment: This sequence change falls in intron 11 of the DICER1 gene. It does not directly change the encoded amino acid sequence of the DICER1 protein. It affects a nucleotide within the consensus splice site. This variant is not present in population databases (gnomAD no frequency). This variant has not been reported in the literature in individuals affected with DICER1-related conditions. ClinVar contains an entry for this variant (Variation ID: 2566155). Variants that disrupt the consensus splice site are a relatively common cause of aberrant splicing (PMID: 17576681, 9536098). Algorithms developed to predict the effect of sequence changes on RNA splicing suggest that this variant may disrupt the consensus splice site. In summary, the available evidence is currently insufficient to determine the role of this variant in disease. Therefore, it has been classified as a Variant of Uncertain Significance.

Ambry Genetics
Classification: Uncertain significance for Hereditary cancer-predisposing syndrome. Last evaluated: 2023-04-05. Review status: criteria provided, single submitter. Criteria: Ambry Variant Classification Scheme 2023. Collection method: clinical testing. Allele origin: germline.
Comment: The c.1908-3C>T intronic variant results from a C to T substitution 3 nucleotides upstream from coding exon 11 in the DICER1 gene. This nucleotide position is well conserved in available vertebrate species. In silico splice site analysis predicts that this alteration will not have any significant effect on splicing. Since supporting evidence is limited at this time, the clinical significance of this alteration remains unclear.

Literature cited by the submitters: PubMed 17576681 (cited by Labcorp Genetics (formerly Invitae), Labcorp); PubMed 9536098 (cited by Labcorp Genetics (formerly Invitae), Labcorp).